The following is an entry in ClinVar:

ClinVar aggregate classification (germline): Likely benign (1 of 4 stars; one submission).

Allele frequency attached by ClinVar (database versions not stated): gnomAD exomes below 0.00001.
gnomAD v4.1: 2 of 1,603,114 alleles (0.00012%); highest among the groups gnomAD compares: Non-Finnish European, 0.00017%; no homozygotes.

Submission:

CeGaT Center for Human Genetics Tuebingen
Classification: Likely benign. Last evaluated: 2022-10-01. Review status: criteria provided, single submitter. Criteria: CeGaT Center For Human Genetics Tuebingen Variant Classification Criteria Version 2. Collection method: clinical testing. Allele origin: germline. Affected: yes. Observed: 1 variant allele.
Comment: CPLANE1: PM2:Supporting, BP4, BP7

NM_001384732.1(CPLANE1):c.4200T>A (p.Thr1400=)

Gene: CPLANE1 (ciliogenesis and planar polarity effector complex subunit 1; minus strand). Cytogenetic location: 5p13.2.
Variant type: single nucleotide variant.
Coding change: c.4200T>A on transcript NM_001384732.1 (MANE Select); coding-DNA position 4200, T replaced by A.
Protein change: p.Thr1400=; no amino-acid change (threonine 1400 retained).
Molecular consequence: synonymous variant.
Genome position (GRCh38, 1-based): chr5:37,185,069, A>T on the plus strand (T>A on the coding strand, the complement: CPLANE1 is on the minus strand). VCF-style: chr5-37185069-A-T. GRCh37 (hg19) VCF-style: chr5-37185171-A-T.
Other names: c.4200T>A, p.Thr1400= (NM_023073.4).
Identifiers: ClinVar variation 2655431 (VCV002655431.24), dbSNP rs2547856442, ClinGen allele CA443924303.